The following is an entry in ClinVar:

ClinVar aggregate classification (germline): Uncertain significance (1 of 4 stars; one submission).

Conditions:
Recessive dystrophic epidermolysis bullosa (RDEB). Also called: Epidermolysis Bullosa Distrophica Autosomal Recessive (RDEB); Recessive DEB (RDEB); DYSTROPHIC EPIDERMOLYSIS BULLOSA, AUTOSOMAL RECESSIVE; EPIDERMOLYSIS BULLOSA DYSTROPHICA, HALLOPEAU-SIEMENS TYPE; severe generalized recessive dystrophic epidermolysis bullosa; epidermolysis bullosa dystrophica, autosomal recessive. Identifiers: Orphanet 79408, Orphanet 79409, MedGen C0079474, MONDO:0009179, OMIM 226600.

Submission:

Myriad Genetics, Inc.
Classification: Uncertain significance for Recessive dystrophic epidermolysis bullosa. Last evaluated: 2026-04-30. Review status: criteria provided, single submitter. Criteria: Myriad Autosomal Dominant, Autosomal Recessive and X-Linked Classification Criteria (2023). Collection method: clinical testing. Allele origin: unknown.
Comment: NM_000094.3(COL7A1):c.5669G>C(G1890A) is a missense variant classified as a variant of uncertain significance in the context of dystrophic epidermolysis bullosa. G1890A has not been observed in cases with relevant disease. Relevant functional assessments of this variant are not available in the literature. G1890A has not been observed in referenced population frequency databases. In summary, there is insufficient evidence to classify NM_000094.3(COL7A1):c.5669G>C(G1890A) as pathogenic or benign. Please note: this variant was assessed in the context of healthy population screening.

NM_000094.4(COL7A1):c.5669G>C (p.Gly1890Ala)

Gene: COL7A1 (collagen type VII alpha 1 chain; minus strand). Cytogenetic location: 3p21.31.
Variant type: single nucleotide variant.
Coding change: c.5669G>C on transcript NM_000094.4 (MANE Select); coding-DNA position 5669, G replaced by C.
Protein change: p.Gly1890Ala; replaces glycine 1890 with alanine.
Molecular consequence: missense variant.
Genome position (GRCh38, 1-based): chr3:48,576,707, C>G on the plus strand (G>C on the coding strand, the complement: COL7A1 is on the minus strand). VCF-style: chr3-48576707-C-G. GRCh37 (hg19) VCF-style: chr3-48614140-C-G.
Other names: short protein forms G1890A.
Identifiers: ClinVar variation 5004631 (VCV005004631.1).